The following is an entry in ClinVar:

ClinVar aggregate classification (germline): Likely pathogenic (1 of 4 stars; one submission).

Conditions:
Cranioectodermal dysplasia 3 (CED3). Identifiers: Orphanet 1515, MedGen C3279807, MONDO:0013573, OMIM 614099.
Short-rib thoracic dysplasia 18 with polydactyly. Identifiers: MedGen C4693420, MONDO:0036483, OMIM 617866.
Retinitis pigmentosa 81 (RP81). Identifiers: MedGen C4693443, MONDO:0036482, OMIM 617871.

Submission:

First Genomix Gene Laboratory, Genetic Diagnostics Department
Classification: Likely pathogenic for Cranioectodermal dysplasia 3; Retinitis pigmentosa 81; Short-rib thoracic dysplasia 18 with polydactyly. Last evaluated: 2025-05-19. Review status: criteria provided, single submitter. Criteria: ACMG Guidelines, 2015. Collection method: clinical testing. Allele origin: germline. Inheritance: Autosomal recessive inheritance. Affected: no. Observed: 1 variant allele.

NM_001102564.3(IFT43):c.507+1G>A

Gene: IFT43 (intraflagellar transport 43; plus strand). Cytogenetic location: 14q24.3.
Variant type: single nucleotide variant.
Coding change: c.507+1G>A on transcript NM_001102564.3 (MANE Select); the canonical splice donor site of the intron after coding-DNA position 507, G replaced by A.
Molecular consequence: splice donor variant.
Genome position (GRCh38, 1-based): chr14:76,083,290, G>A. VCF-style: chr14-76083290-G-A. GRCh37 (hg19) VCF-style: chr14-76549633-G-A.
Other names: c.522+1G>A (NM_052873.3).
Identifiers: ClinVar variation 4849281 (VCV004849281.1).